The following is an entry in ClinVar:

NM_000175.5(GPI):c.1498G>A (p.Val500Ile)

Gene: GPI (glucose-6-phosphate isomerase; plus strand). Cytogenetic location: 19q13.11.
Variant type: single nucleotide variant.
Coding change: c.1498G>A on transcript NM_000175.5 (MANE Select); coding-DNA position 1498, G replaced by A.
Protein change: p.Val500Ile; replaces valine 500 with isoleucine.
Molecular consequence: missense variant.
Genome position (GRCh38, 1-based): chr19:34,399,742, G>A. VCF-style: chr19-34399742-G-A. GRCh37 (hg19) VCF-style: chr19-34890647-G-A.
Other names: p.Val500Ile; c.1531G>A, p.Val511Ile (NM_001184722.1); c.1615G>A, p.Val539Ile (NM_001289789.1); c.1414G>A, p.Val472Ile (NM_001289790.3); c.1498G>A, p.Val500Ile (NM_001329909.1, NM_001329910.1); c.1471G>A, p.Val491Ile (NM_001329911.2); c.1498G>A (NM_000175.4); short protein forms V491I, V539I, V472I, V500I, V511I.
Identifiers: ClinVar variation 1031447 (VCV001031447.7), dbSNP rs552424309, ClinGen allele CA9367454.

ClinVar aggregate classification (germline): Uncertain significance. Review status: criteria provided, multiple submitters, no conflicts (2 of 4 stars). 5 submissions from 5 submitters: Uncertain significance (5). Last evaluated 2025-09-10.

Conditions:
Inborn genetic diseases. Identifiers: MedGen C0950123, MeSH D030342.
Hemolytic anemia due to glucophosphate isomerase deficiency (CNSHA4). Also called: ANEMIA, CONGENITAL, NONSPHEROCYTIC HEMOLYTIC, 4. Identifiers: Orphanet 712, MedGen C0272064, MONDO:0013275, OMIM 613470.

Allele frequency attached by ClinVar (database versions not stated): 1000 Genomes Project 30x 0.00078; TOPMed below 0.00001; gnomAD 0.00001 and 0.00005; gnomAD exomes 0.00014 and 0.00005; ExAC 0.00015; 1000 Genomes Project 0.00100.
gnomAD v4.1: 82 of 1,614,064 alleles (0.0051%); highest among the groups gnomAD compares: South Asian, 0.074%; 1 homozygote.

Submissions (5):

Ambry Genetics
Classification: Uncertain significance for Inborn genetic diseases. Last evaluated: 2025-09-10. Review status: criteria provided, single submitter. Criteria: Ambry Variant Classification Scheme 2023. Collection method: clinical testing. Allele origin: germline.

Mayo Clinic Laboratories, Mayo Clinic
Classification: Uncertain significance. Last evaluated: 2022-08-03. Review status: criteria provided, single submitter. Criteria: ACMG Guidelines, 2015. Collection method: clinical testing. Allele origin: germline. Observed: 2 variant alleles.

Department of Pathology and Laboratory Medicine, Sinai Health System
Classification: Uncertain significance for Hemolytic anemia due to glucophosphate isomerase deficiency. Last evaluated: 2021-10-14. Review status: criteria provided, single submitter. Criteria: ACMG Guidelines, 2015. Collection method: research. Allele origin: germline.

Revvity Omics, Revvity
Classification: Uncertain significance for Hemolytic anemia due to glucophosphate isomerase deficiency. Last evaluated: 2021-02-28. Review status: criteria provided, single submitter. Criteria: ACMG Guidelines, 2015. Collection method: clinical testing. Allele origin: germline.

Baylor Genetics
Classification: Uncertain significance for Hemolytic anemia due to glucophosphate isomerase deficiency. Last evaluated: 2018-05-09. Review status: criteria provided, single submitter. Criteria: ACMG Guidelines, 2015. Collection method: clinical testing. Allele origin: maternal. Affected: yes.
Comment: This variant was determined to be of uncertain significance according to ACMG Guidelines, 2015 [PMID:25741868].